The following is an entry in ClinVar:

ClinVar aggregate classification (germline): Likely benign (0 of 4 stars; one submission).

Conditions:
MADD-related disorder. Also called: MADD-Related Disorders; MADD-related condition.

Allele frequency attached by ClinVar (database versions not stated): ExAC 0.00002; gnomAD exomes 0.00003; TOPMed 0.00003; gnomAD 0.00005; ESP Exome Variant Server 0.00008; 1000 Genomes Project 30x 0.00016; 1000 Genomes Project 0.00020.
gnomAD v4.1: 44 of 1,614,164 alleles (0.0027%); highest among the groups gnomAD compares: Admixed American, 0.013%; no homozygotes.

Submission:

PreventionGenetics, part of Exact Sciences
Classification: Likely benign for MADD-related condition. Last evaluated: 2019-09-05. Review status: no assertion criteria provided. Collection method: clinical testing. Allele origin: germline.
Comment: This variant is classified as likely benign based on ACMG/AMP sequence variant interpretation guidelines (Richards et al. 2015 PMID: 25741868, with internal and published modifications).

NM_001376571.1(MADD):c.2938C>T (p.Leu980=)

Gene: MADD (MAP kinase activating death domain; plus strand). Cytogenetic location: 11p11.2.
Variant type: single nucleotide variant.
Coding change: c.2938C>T on transcript NM_001376571.1 (MANE Select); coding-DNA position 2938, C replaced by T.
Protein change: p.Leu980=; no amino-acid change (leucine 980 retained).
Molecular consequence: synonymous variant. On other transcripts: non-coding transcript variant (7), intron variant (1).
Genome position (GRCh38, 1-based): chr11:47,289,988, C>T. VCF-style: chr11-47289988-C-T. GRCh37 (hg19) VCF-style: chr11-47311539-C-T.
Other names: c.2938C>T, p.Leu980= (NM_001376572.1, NM_001376573.1, NM_001376574.1 and 11 more transcripts); c.2878C>T, p.Leu960= (NM_001376575.1, NM_001376576.1, NM_001376577.1 and 12 more transcripts); c.2851C>T, p.Leu951= (NM_001376578.1, NM_001376631.1); c.2749C>T, p.Leu917= (NM_001135943.2, NM_001135944.2, NM_001376585.1 and 20 more transcripts); c.2809C>T, p.Leu937= (NM_001376581.1, NM_001376582.1, NM_001376586.1 and 15 more transcripts); c.2776C>T, p.Leu926= (NM_001376583.1, NM_001376611.1, NM_001376613.1 and 1 more transcripts); c.2956C>T, p.Leu986= (NM_001376596.1); c.2785C>T, p.Leu929= (NM_001376602.1); and 9 more.
Identifiers: ClinVar variation 3052343 (VCV003052343.2), dbSNP rs184285448, ClinGen allele CA5974616.